The following is an entry in ClinVar:

NM_000245.4(MET):c.3028G>A (p.Asp1010Asn)

Gene: MET (MET proto-oncogene, receptor tyrosine kinase; plus strand). Cytogenetic location: 7q31.2.
Variant type: single nucleotide variant.
Coding change: c.3028G>A on transcript NM_000245.4 (MANE Select); coding-DNA position 3028, G replaced by A.
Protein change: p.Asp1010Asn; replaces aspartic acid 1010 with asparagine.
Molecular consequence: missense variant.
Genome position (GRCh38, 1-based): chr7:116,771,989, G>A. VCF-style: chr7-116771989-G-A. GRCh37 (hg19) VCF-style: chr7-116412043-G-A.
Other names: c.3082G>A, p.Asp1028Asn (NM_001127500.3); c.1738G>A, p.Asp580Asn (NM_001324402.2); short protein forms D1010N, D1028N, D580N.
Identifiers: ClinVar variation 983225 (VCV000983225.4), dbSNP rs1794851612, ClinGen allele CA368987525.
Genomic context (GRCh38, chr7:116,771,989, plus strand): 5'-AGCCCAACTACAGAAATGGTTTCAAATGAATCTGTAGACTACCGAGCTACTTTTCCAGAA[G>A]GTATATTTCAGTTTATTGTTCTGAGAAATACCTATACATATACCTCAGTGGGTTGTGACA-3'
Protein context (NP_000236.2, residues 1000-1020): SVDYRATFPE[Asp1010Asn]QFPNSSQNGS

ClinVar aggregate classification (germline): Uncertain significance. Review status: criteria provided, single submitter (1 of 4 stars). 2 submissions from 2 submitters: Uncertain significance (1). 1 of the submissions does not count toward it. Last evaluated 2022-03-30.
ClinVar aggregate classification (somatic clinical impact): Tier II - Potential (1 of 4 stars; one submission).

Conditions:
Hereditary cancer-predisposing syndrome. Also called: Hereditary Cancer Syndrome; Neoplastic Syndromes, Hereditary; Tumor predisposition; Hereditary neoplastic syndrome. Identifiers: Orphanet 140162, MedGen C0027672, MeSH D009386, MONDO:0015356.
Lung carcinoma. Identifiers: MedGen C0684249, MONDO:0005138.
Diffuse pediatric-type high-grade glioma, H3-wildtype and IDH-wildtype. Identifiers: MedGen C5669918, MONDO:0858939.

Submissions (3):

Institute for Genomic Medicine (IGM) Clinical Laboratory, Nationwide Children's Hospital
Classification: Tier II - Potential for Diffuse pediatric-type high-grade glioma, H3-wildtype and IDH-wildtype. Assertion type: diagnostic. Clinical significance: supports diagnosis. Last evaluated: 2025-02-14. Review status: criteria provided, single submitter. Criteria: AMP/ASCO/CAP Guidelines, 2017. Collection method: clinical testing. Allele origin: somatic. Affected: yes.
Comment: Variant has Tier II (potential) clinical significance as a diagnostic inclusion criterion in diffuse pediatric-type high-grade glioma, H3-wildtype and IDH-wildtype, based on the following evidence: 1) Documented in one or more cancer databases (e.g., St. Jude Pecan, COSMIC, CIViC, OncoKB). 2) Information in the literature supports potential biologic effect of variant (PMIDs: 27022036, 35855460). 3) Diagnostic significance based on multiple small studies (Evidence Level C; PMIDs: 31221203, 30343896).

Ambry Genetics
Classification: Uncertain significance for Hereditary cancer-predisposing syndrome. Last evaluated: 2022-03-30. Review status: criteria provided, single submitter. Criteria: Ambry Variant Classification Scheme 2023. Collection method: clinical testing. Allele origin: germline.
Comment: The p.D1028N variant (also known as c.3082G>A), located in coding exon 13 of the MET gene, results from a G to A substitution at nucleotide position 3082. The amino acid change results in aspartic acid to asparagine at codon 1028, an amino acid with highly similar properties. However, this change occurs in the last base pair of coding exon 13, which makes it likely to have some effect on normal mRNA splicing. Alterations impacting this splice donor site have been identified in individuals with osteofibrous dysplasia, and have been reported to cause skipping of this exon (Gray MJ et al. Am J Hum Genet, 2015 Dec;97:837-47). In addition, alterations at this codon have been reported to cause aberrant splicing in tumor samples (Mahjoubi L et al. Invest New Drugs, 2016 Jun;34:397-8). This nucleotide position is highly conserved in available vertebrate species. This amino acid position is highly conserved in available vertebrate species. In silico splice site analysis predicts that this alteration will weaken the native splice donor site, however direct evidence is unavailable. In addition, as a missense substitution, this alteration is predicted to be tolerated by in silico analysis. However, loss of function of MET has not been clearly established as a mechanism of disease. Since supporting evidence is limited at this time, the clinical significance of this alteration remains unclear.

Department of Medical Oncology, City of Hope
Classification: Pathogenic for Lung cancer. Review status: no assertion criteria provided. Collection method: clinical testing. Allele origin: somatic. Inheritance: Somatic mutation. Affected: yes. Not counted in ClinVar's aggregate classification.

Literature cited by the submitters: PubMed 27022036 (cited by Institute for Genomic Medicine (IGM) Clinical Laboratory, Nationwide Children's Hospital); PubMed 35855460 (cited by Institute for Genomic Medicine (IGM) Clinical Laboratory, Nationwide Children's Hospital); PubMed 31221203 (cited by Institute for Genomic Medicine (IGM) Clinical Laboratory, Nationwide Children's Hospital); PubMed 30343896 (cited by Institute for Genomic Medicine (IGM) Clinical Laboratory, Nationwide Children's Hospital); PubMed 26637977 (cited by Ambry Genetics); PubMed 26892698 (cited by Ambry Genetics).